The following is an entry in ClinVar:

ClinVar aggregate classification (germline): Uncertain significance (1 of 4 stars; one submission).

Conditions:
Inborn genetic diseases. Identifiers: MedGen C0950123, MeSH D030342.

Allele frequency attached by ClinVar (database versions not stated): gnomAD exomes below 0.00001; ExAC 0.00001; TOPMed 0.00001; gnomAD 0.00002.
gnomAD v4.1: 4 of 1,584,174 alleles (0.00025%); highest among the groups gnomAD compares: African/African-American, 0.0054%; no homozygotes.

Submission:

Ambry Genetics
Classification: Uncertain significance for Inborn genetic diseases. Last evaluated: 2021-02-13. Review status: criteria provided, single submitter. Criteria: Ambry Variant Classification Scheme 2023. Collection method: clinical testing. Allele origin: germline.
Comment: The c.292C>T (p.H98Y) alteration is located in exon 1 (coding exon 1) of the MN1 gene. This alteration results from a C to T substitution at nucleotide position 292, causing the histidine (H) at amino acid position 98 to be replaced by a tyrosine (Y). The p.H98Y alteration is predicted to be tolerated by in silico analysis. Based on insufficient or conflicting evidence, the clinical significance of this alteration remains unclear.

NM_002430.3(MN1):c.292C>T (p.His98Tyr)

Gene: MN1 (MN1 proto-oncogene, transcriptional regulator; minus strand). Cytogenetic location: 22q12.1.
Variant type: single nucleotide variant.
Coding change: c.292C>T on transcript NM_002430.3 (MANE Select); coding-DNA position 292, C replaced by T.
Protein change: p.His98Tyr; replaces histidine 98 with tyrosine.
Molecular consequence: missense variant.
Genome position (GRCh38, 1-based): chr22:27,800,252, G>A on the plus strand (C>T on the coding strand, the complement: MN1 is on the minus strand). VCF-style: chr22-27800252-G-A. GRCh37 (hg19) VCF-style: chr22-28196240-G-A.
Other names: short protein forms H98Y.
Identifiers: ClinVar variation 2228157 (VCV002228157.2), dbSNP rs765320661, ClinGen allele CA10166595.